The following is an entry in ClinVar:

NM_004612.4(TGFBR1):c.1485C>T (p.Leu495=)

Gene: TGFBR1 (transforming growth factor beta receptor 1; plus strand). Cytogenetic location: 9q22.33.
Variant type: single nucleotide variant.
Coding change: c.1485C>T on transcript NM_004612.4 (MANE Select); coding-DNA position 1485, C replaced by T.
Protein change: p.Leu495=; no amino-acid change (leucine 495 retained).
Molecular consequence: synonymous variant.
Genome position (GRCh38, 1-based): chr9:99,149,278, C>T. VCF-style: chr9-99149278-C-T. GRCh37 (hg19) VCF-style: chr9-101911560-C-T.
Other names: c.1254C>T, p.Leu418= (NM_001130916.3); c.1497C>T, p.Leu499= (NM_001306210.2).
Identifiers: ClinVar variation 508458 (VCV000508458.2), dbSNP rs1554702762, ClinGen allele CA466436339.
Genomic context (GRCh38, chr9:99,149,278, plus strand): 5'-GTATGCCAATGGAGCAGCTAGGCTTACAGCATTGCGGATTAAGAAAACATTATCGCAACT[C>T]AGTCAACAGGAAGGCATCAAAATGTAATTCTACAGCTTTGCCTGAACTCTCCTTTTTTCT-3'
Protein context (NP_004603.1, residues 485-503): ALRIKKTLSQ[Leu495=]SQQEGIKM

ClinVar aggregate classification (germline): Likely benign. Review status: criteria provided, multiple submitters, no conflicts (2 of 4 stars). 2 submissions from 2 submitters: Likely benign (2). Last evaluated 2025-07-22.

Conditions:
Familial thoracic aortic aneurysm and aortic dissection (TAAD). Also called: Thoracic aortic aneurysms and dissections. Identifiers: Orphanet 91387, MedGen C4707243, MONDO:0019625.

Allele frequency attached by ClinVar (database versions not stated): gnomAD exomes below 0.00001; TOPMed below 0.00001; gnomAD 0.00001.
gnomAD v4.1: 4 of 1,613,734 alleles (0.00025%); highest among the groups gnomAD compares: East Asian, 0.0022%; no homozygotes.

Submissions (2):

Ambry Genetics
Classification: Likely benign for Familial thoracic aortic aneurysm and aortic dissection. Last evaluated: 2025-07-22. Review status: criteria provided, single submitter. Criteria: Ambry Variant Classification Scheme 2023. Collection method: clinical testing. Allele origin: germline.

GeneDx
Classification: Likely benign. Last evaluated: 2017-03-27. Review status: criteria provided, single submitter. Criteria: GeneDx Variant Classification (06012015). Collection method: clinical testing. Allele origin: germline. Affected: yes.
Comment: This variant is considered likely benign or benign based on one or more of the following criteria: it is a conservative change, it occurs at a poorly conserved position in the protein, it is predicted to be benign by multiple in silico algorithms, and/or has population frequency not consistent with disease.